The following is an entry in ClinVar:

ClinVar aggregate classification (germline): Uncertain significance (1 of 4 stars; one submission).

Allele frequency attached by ClinVar (database versions not stated): TOPMed below 0.00001; ExAC 0.00001; gnomAD 0.00001; gnomAD exomes 0.00002; ESP Exome Variant Server 0.00008.
gnomAD v4.1: 23 of 1,611,448 alleles (0.0014%); highest among the groups gnomAD compares: African/African-American, 0.004%; no homozygotes.

Submission:

Labcorp Genetics (formerly Invitae), Labcorp
Classification: Uncertain significance. Last evaluated: 2022-09-27. Review status: criteria provided, single submitter. Criteria: Invitae Variant Classification Sherloc (09022015). Collection method: clinical testing. Allele origin: germline.
Comment: This sequence change replaces arginine, which is basic and polar, with cysteine, which is neutral and slightly polar, at codon 1076 of the TONSL protein (p.Arg1076Cys). In summary, the available evidence is currently insufficient to determine the role of this variant in disease. Therefore, it has been classified as a Variant of Uncertain Significance. Advanced modeling of protein sequence and biophysical properties (such as structural, functional, and spatial information, amino acid conservation, physicochemical variation, residue mobility, and thermodynamic stability) performed at Invitae indicates that this missense variant is not expected to disrupt TONSL protein function. This variant has not been reported in the literature in individuals affected with TONSL-related conditions. The frequency data for this variant in the population databases is considered unreliable, as metrics indicate poor data quality at this position in the gnomAD database.

NM_013432.5(TONSL):c.3226C>T (p.Arg1076Cys)

Gene: TONSL (tonsoku like, DNA repair protein; minus strand). Cytogenetic location: 8q24.3.
Variant type: single nucleotide variant.
Coding change: c.3226C>T on transcript NM_013432.5 (MANE Select); coding-DNA position 3226, C replaced by T.
Protein change: p.Arg1076Cys; replaces arginine 1076 with cysteine.
Molecular consequence: missense variant.
Genome position (GRCh38, 1-based): chr8:144,434,139, G>A on the plus strand (C>T on the coding strand, the complement: TONSL is on the minus strand). VCF-style: chr8-144434139-G-A. GRCh37 (hg19) VCF-style: chr8-145659522-G-A.
Other names: short protein forms R1076C.
Identifiers: ClinVar variation 2415953 (VCV002415953.6), dbSNP rs146693421, ClinGen allele CA4942562.
Genomic context (GRCh38, chr8:144,434,139, plus strand): 5'-TGCCCAGGGCAGCCACCAGCTCAGCCACACACTTGTCCCCCAGCCGGTTCCCTGCCAGGC[G>A]CAGCTCCCGGAGTGCTGTGTGCAGCTTGAGGGCCCGCAGCAGGGGTGTAAGCTGGGCCTG-3'
Protein context (NP_038460.4, residues 1066-1086): LKLHTALREL[Arg1076Cys]LAGNRLGDKC